The following is an entry in ClinVar:

ClinVar aggregate classification (germline): Uncertain significance (1 of 4 stars; one submission).

Submission:

Labcorp Genetics (formerly Invitae), Labcorp
Classification: Uncertain significance. Last evaluated: 2022-04-15. Review status: criteria provided, single submitter. Criteria: Invitae Variant Classification Sherloc (09022015). Collection method: clinical testing. Allele origin: germline.
Comment: This variant results in a copy number gain of the genomic region encompassing exon(s) 2-11 of the GPR179 gene. This region includes the termination codon of the gene. This copy number gain extends beyond the assayed region for this gene and therefore may encompass additional genes. As the precise location of this event is unknown, it may be in tandem or it may be located elsewhere in the genome. This variant has not been reported in the literature in individuals affected with GPR179-related conditions. Experimental studies and prediction algorithms are not available or were not evaluated, and the functional significance of this variant is currently unknown. In summary, the available evidence is currently insufficient to determine the role of this variant in disease. Therefore, it has been classified as a Variant of Uncertain Significance.

NC_000017.10:g.(?_36482348)_(36495428_?)dup

Gene: GPR179 (G protein-coupled receptor 179; minus strand). Cytogenetic location: 17q12.
Variant type: Duplication.
Identifiers: ClinVar variation 1409988 (VCV001409988.3).